The following is an entry in ClinVar:

ClinVar aggregate classification (germline): Pathogenic (1 of 4 stars; one submission).

Conditions:
MOGS-congenital disorder of glycosylation. Also called: CDG IIb; GLUCOSIDASE I DEFICIENCY; MOGS-CDG; CDG 2B. Identifiers: Orphanet 79330, MedGen C1853736, MONDO:0011629, OMIM 606056.

Allele frequency attached by ClinVar (database versions not stated): gnomAD 0.00001.

Submission:

Labcorp Genetics (formerly Invitae), Labcorp
Classification: Pathogenic for MOGS-congenital disorder of glycosylation. Last evaluated: 2023-07-29. Review status: criteria provided, single submitter. Criteria: Invitae Variant Classification Sherloc (09022015). Collection method: clinical testing. Allele origin: germline.
Comment: For these reasons, this variant has been classified as Pathogenic. This variant has not been reported in the literature in individuals affected with MOGS-related conditions. This variant is present in population databases (no rsID available, gnomAD 0.007%). This sequence change creates a premature translational stop signal (p.Ala19Serfs*21) in the MOGS gene. It is expected to result in an absent or disrupted protein product. Loss-of-function variants in MOGS are known to be pathogenic (PMID: 24716661, 26805780).

Literature cited by the submitters: PubMed 24716661; PubMed 26805780.

NM_006302.3(MOGS):c.54dup (p.Ala19fs)

Gene: MOGS (mannosyl-oligosaccharide glucosidase; minus strand). Cytogenetic location: 2p13.1.
Variant type: Duplication.
Coding change: c.54dup on transcript NM_006302.3 (MANE Select); coding-DNA position 54, one base duplicated (A; older notation c.54dupA).
Protein change: p.Ala19fs; shifts the reading frame from alanine 19.
Molecular consequence: frameshift variant. On other transcripts: intron variant (1).
Genome position (GRCh38, 1-based): chr2:74,465,194, T duplicated on the plus strand (A on the coding strand, the reverse complement: MOGS is on the minus strand). VCF-style (leftmost placement, unchanged base first): chr2-74465193-C-CT. GRCh37 (hg19) VCF-style: chr2-74692320-C-CT.
Other names: c.-59+120dup (NM_001146158.2); short protein forms A19fs.
Identifiers: ClinVar variation 2913879 (VCV002913879.3), dbSNP rs1341709717, ClinGen allele CA426827848.